The following is an entry in ClinVar:

ClinVar aggregate classification (germline): Uncertain significance (1 of 4 stars; one submission).

Conditions:
Agammaglobulinemia 4, autosomal recessive (AGM4). Also called: AGAMMAGLOBULINEMIA, AUTOSOMAL RECESSIVE, DUE TO BLNK DEFECT; B cell linker protein deficiency. Identifiers: MedGen C3150752, MONDO:0013289, OMIM 613502.

Allele frequency attached by ClinVar (database versions not stated): gnomAD exomes below 0.00001; TOPMed below 0.00001.

Submission:

Labcorp Genetics (formerly Invitae), Labcorp
Classification: Uncertain significance for Agammaglobulinemia 4, autosomal recessive. Last evaluated: 2021-08-30. Review status: criteria provided, single submitter. Criteria: Invitae Variant Classification Sherloc (09022015). Collection method: clinical testing. Allele origin: germline.
Comment: This sequence change replaces valine with methionine at codon 206 of the BLNK protein (p.Val206Met). The valine residue is highly conserved and there is a small physicochemical difference between valine and methionine. This variant is not present in population databases (ExAC no frequency). This variant has not been reported in the literature in individuals affected with BLNK-related conditions. Algorithms developed to predict the effect of missense changes on protein structure and function are either unavailable or do not agree on the potential impact of this missense change (SIFT: "Deleterious"; PolyPhen-2: "Probably Damaging"; Align-GVGD: "Class C0"). In summary, the available evidence is currently insufficient to determine the role of this variant in disease. Therefore, it has been classified as a Variant of Uncertain Significance.

NM_013314.4(BLNK):c.616G>A (p.Val206Met)

Gene: BLNK (B cell linker; minus strand). Cytogenetic location: 10q24.1.
Variant type: single nucleotide variant.
Coding change: c.616G>A on transcript NM_013314.4 (MANE Select); coding-DNA position 616, G replaced by A.
Protein change: p.Val206Met; replaces valine 206 with methionine.
Molecular consequence: missense variant. On other transcripts: non-coding transcript variant (1), intron variant (3).
Genome position (GRCh38, 1-based): chr10:96,215,381, C>T on the plus strand (G>A on the coding strand, the complement: BLNK is on the minus strand). VCF-style: chr10-96215381-C-T. GRCh37 (hg19) VCF-style: chr10-97975137-C-T.
Other names: c.616G>A, p.Val206Met (NM_001258440.2); c.350-49G>A (NM_001258442.2); c.607+1272G>A (NM_001258441.2, NM_001114094.2); short protein forms V206M.
Identifiers: ClinVar variation 946915 (VCV000946915.7), dbSNP rs1297812434, ClinGen allele CA377723313.